The following is an entry in ClinVar:

NM_024675.4(PALB2):c.438A>C (p.Arg146Ser)

Gene: PALB2 (partner and localizer of BRCA2; minus strand). Cytogenetic location: 16p12.2.
Variant type: single nucleotide variant.
Coding change: c.438A>C on transcript NM_024675.4 (MANE Select); coding-DNA position 438, A replaced by C.
Protein change: p.Arg146Ser; replaces arginine 146 with serine.
Molecular consequence: missense variant.
Genome position (GRCh38, 1-based): chr16:23,636,108, T>G on the plus strand (A>C on the coding strand, the complement: PALB2 is on the minus strand). VCF-style: chr16-23636108-T-G. GRCh37 (hg19) VCF-style: chr16-23647429-T-G.
Other names: p.R146S:AGA>AGC; short protein forms R146S.
Identifiers: ClinVar variation 141105 (VCV000141105.32), dbSNP rs587781498, ClinGen allele CA294070.

ClinVar aggregate classification (germline): Conflicting classifications of pathogenicity. Review status: criteria provided, conflicting classifications (1 of 4 stars). 9 submissions from 9 submitters: Uncertain significance (6); Likely benign (2). 1 of the submissions does not count toward it. Last evaluated 2026-01-13.

Conditions:
Hereditary cancer-predisposing syndrome. Also called: Neoplastic Syndromes, Hereditary; Tumor predisposition; Hereditary Cancer Syndrome; Hereditary neoplastic syndrome. Identifiers: Orphanet 140162, MedGen C0027672, MeSH D009386, MONDO:0015356.
Familial cancer of breast. Also called: BREAST CANCER, FAMILIAL; Hereditary breast cancer; hereditary breast carcinoma. Identifiers: Orphanet 227535, MedGen C0346153, MONDO:0016419, OMIM 114480. Disease mechanism: loss of function.

Allele frequency attached by ClinVar (database versions not stated): gnomAD 0.00001; gnomAD exomes 0.00001 and below 0.00001; TOPMed 0.00001.
gnomAD v4.1: 9 of 1,613,700 alleles (0.00056%); highest among the groups gnomAD compares: Non-Finnish European, 0.00076%; no homozygotes.

Submissions (9):

Labcorp Genetics (formerly Invitae), Labcorp
Classification: Uncertain significance for Familial cancer of breast. Last evaluated: 2026-01-13. Review status: criteria provided, single submitter. Criteria: Invitae Variant Classification Sherloc (09022015). Collection method: clinical testing. Allele origin: germline.
Comment: This sequence change replaces arginine, which is basic and polar, with serine, which is neutral and polar, at codon 146 of the PALB2 protein (p.Arg146Ser). This variant is present in population databases (rs587781498, gnomAD 0.0009%). This missense change has been observed in individual(s) with breast cancer (PMID: 30638972, 34326862). ClinVar contains an entry for this variant (Variation ID: 141105). An algorithm developed to predict the effect of missense changes on protein structure and function (PolyPhen-2) suggests that this variant is likely to be tolerated. In summary, the available evidence is currently insufficient to determine the role of this variant in disease. Therefore, it has been classified as a Variant of Uncertain Significance.

Women's Health and Genetics/Laboratory Corporation of America, LabCorp
Classification: Uncertain significance. Last evaluated: 2025-11-06. Review status: criteria provided, single submitter. Criteria: LabCorp Variant Classification Summary - May 2015. Collection method: clinical testing. Allele origin: germline.
Comment: Variant summary: PALB2 c.438A>C (p.Arg146Ser) results in a non-conservative amino acid change in the encoded protein sequence. Algorithms developed to predict the effect of missense changes on protein structure and function are either unavailable or do not agree on the potential impact of this missense change. The variant allele was found at a frequency of 4e-06 in 251358 control chromosomes. The available data on variant occurrences in the general population are insufficient to allow any conclusion about variant significance. c.438A>C has been observed in individuals affected with Breast Cancer, without strong evidence for causality (e.g. Ducy_2019, Bhai_2021). These reports do not provide unequivocal conclusions about association of the variant with Breast Cancer. To our knowledge, no experimental evidence demonstrating an impact on protein function has been reported. The following publications have been ascertained in the context of this evaluation (PMID: 34326862, 30638972). ClinVar contains an entry for this variant (Variation ID: 141105). Based on the evidence outlined above, the variant was classified as uncertain significance.

Ambry Genetics
Classification: Likely benign for Hereditary cancer-predisposing syndrome. Last evaluated: 2025-07-15. Review status: criteria provided, single submitter. Criteria: Ambry Variant Classification Scheme 2023. Collection method: clinical testing. Allele origin: germline.

GeneDx
Classification: Uncertain significance. Last evaluated: 2025-05-06. Review status: criteria provided, single submitter. Criteria: GeneDx Variant Classification Process June 2021. Collection method: clinical testing. Allele origin: germline. Affected: yes.
Comment: Not observed at significant frequency in large population cohorts (gnomAD); In silico analysis suggests that this missense variant does not alter protein structure/function; This variant is associated with the following publications: (PMID: 28492532, 28779002, 30638972, 19369211, 20871615, 33471991, 29641532, 34326862)

Quest Diagnostics Nichols Institute San Juan Capistrano
Classification: Uncertain significance. Last evaluated: 2025-02-14. Review status: criteria provided, single submitter. Criteria: Quest Diagnostics criteria. Collection method: clinical testing. Allele origin: unknown.
Comment: The PALB2 c.438A>C (p.Arg146Ser) variant has been observed in the published literature in individuals with breast cancer (PMIDs: 28779002 (2017), 34326862 (2021), and 33471991 (2021), see also LOVD) and in reportedly healthy individuals (PMID: 29641532 (2018)). The frequency of this variant in the general population (Genome Aggregation Database) is uninformative in the assessment of its pathogenicity. Analysis of this variant using bioinformatics tools for the prediction of the effect of amino acid changes on protein structure and function yielded predictions that this variant is benign. Based on the available information, we are unable to determine the clinical significance of this variant.

Color Diagnostics, LLC DBA Color Health
Classification: Uncertain significance for Hereditary cancer-predisposing syndrome. Last evaluated: 2024-10-21. Review status: criteria provided, single submitter. Criteria: ACMG Guidelines, 2015. Collection method: clinical testing. Allele origin: germline.
Comment: This missense variant replaces arginine with serine at codon 146 of the PALB2 protein. Computational prediction suggests that this variant may not impact protein structure and function. To our knowledge, functional studies have not been reported for this variant. This variant has been reported in an individual affected with breast cancer (PMID: 28779002) and in a breast cancer case-control meta-analysis in 1/60466 cases and 0/53461 unaffected individuals (PMID: 33471991; Leiden Open Variation Database DB-ID PALB2_011181). This variant has been identified in 1/251358 chromosomes in the general population by the Genome Aggregation Database (gnomAD). The available evidence is insufficient to determine the role of this variant in disease conclusively. Therefore, this variant is classified as a Variant of Uncertain Significance.

Myriad Genetics, Inc.
Classification: Likely benign for Familial cancer of breast. Last evaluated: 2023-03-31. Review status: criteria provided, single submitter. Criteria: Myriad Autosomal Dominant, Autosomal Recessive and X-Linked Classification Criteria (2023). Collection method: clinical testing. Allele origin: unknown.
Comment: This variant is considered likely benign. This variant is strongly associated with less severe personal and family histories of cancer, typical for individuals without pathogenic variants in this gene [PMID: 25085752].

Sema4
Classification: Uncertain significance for Hereditary cancer-predisposing syndrome. Last evaluated: 2021-07-09. Review status: criteria provided, single submitter. Criteria: Sema4 Curation Guidelines. Collection method: curation. Allele origin: germline.
Comment: The PALB2 c.438A>C (p.R146S) variant has been reported in heterozygosity in at least two individuals with breast cancer (PMID: 28779002, 30638972, 33471991). It was observed in 1/113708 chromosomes in the Non-Finnish European subpopulation in the large and broad cohorts of the Genome Aggregation Database (PMID: 32461654). The variant has been reported in ClinVar (Variation ID: 141105). In silico tools suggest the impact of the variant on protein function is benign, though these predictions have not been confirmed by functional studies. The evidence is insufficient to meet ACMG/AMP criteria for classifying the variant as benign or pathogenic. Thus, the clinical significance of this variant is currently uncertain.

Counsyl
Classification: Uncertain significance for Familial cancer of breast. Last evaluated: 2016-09-06. Review status: no assertion criteria provided. Collection method: clinical testing. Allele origin: unknown. Not counted in ClinVar's aggregate classification.

Literature cited by the submitters: PubMed 30638972 (cited by 4 submitters); PubMed 34326862 (cited by 3 submitters); PubMed 28779002 (cited by 4 submitters); PubMed 39427061 (cited by Quest Diagnostics Nichols Institute San Juan Capistrano); PubMed 29641532 (cited by Quest Diagnostics Nichols Institute San Juan Capistrano); PubMed 33471991 (cited by 3 submitters); PubMed 25085752 (cited by Myriad Genetics, Inc.).